The following is an entry in ClinVar:

ClinVar aggregate classification (germline): Uncertain significance (1 of 4 stars; one submission).

Conditions:
Hereditary cancer-predisposing syndrome. Also called: Tumor predisposition; Hereditary Cancer Syndrome; Neoplastic Syndromes, Hereditary; Hereditary neoplastic syndrome. Identifiers: Orphanet 140162, MedGen C0027672, MeSH D009386, MONDO:0015356.

Submission:

Ambry Genetics
Classification: Uncertain significance for Hereditary cancer-predisposing syndrome. Last evaluated: 2020-09-17. Review status: criteria provided, single submitter. Criteria: Ambry Variant Classification Scheme 2023. Collection method: clinical testing. Allele origin: germline.
Comment: The c.2656-4T>A intronic variant results from a T to A substitution 4 nucleotides upstream from coding exon 20 in the MSH3 gene. This nucleotide position is poorly conserved in available vertebrate species. In silico splice site analysis predicts that this alteration will not have any significant effect on splicing. Since supporting evidence is limited at this time, the clinical significance of this alteration remains unclear.

NM_002439.5(MSH3):c.2656-4T>A

Gene: MSH3 (mutS homolog 3; plus strand). Cytogenetic location: 5q14.1.
Variant type: single nucleotide variant.
Coding change: c.2656-4T>A on transcript NM_002439.5 (MANE Select); 4 bases into the intron before coding-DNA position 2656, T replaced by A.
Molecular consequence: intron variant.
Genome position (GRCh38, 1-based): chr5:80,813,580, T>A. VCF-style: chr5-80813580-T-A. GRCh37 (hg19) VCF-style: chr5-80109399-T-A.
Identifiers: ClinVar variation 1794374 (VCV001794374.2), dbSNP rs754531668, ClinGen allele CA2580073515.